The following is an entry in ClinVar:

ClinVar aggregate classification (germline): Uncertain significance (1 of 4 stars; one submission).

Conditions:
Bardet-Biedl syndrome (BBS). Identifiers: Orphanet 110, MedGen C0752166, MONDO:0015229.

Allele frequency attached by ClinVar (database versions not stated): gnomAD 0.00001.

Submission:

Labcorp Genetics (formerly Invitae), Labcorp
Classification: Uncertain significance for Bardet-Biedl syndrome. Last evaluated: 2022-09-12. Review status: criteria provided, single submitter. Criteria: Invitae Variant Classification Sherloc (09022015). Collection method: clinical testing. Allele origin: germline.
Comment: ClinVar contains an entry for this variant (Variation ID: 1405551). Advanced modeling of protein sequence and biophysical properties (such as structural, functional, and spatial information, amino acid conservation, physicochemical variation, residue mobility, and thermodynamic stability) performed at Invitae indicates that this missense variant is expected to disrupt BBS10 protein function. In summary, the available evidence is currently insufficient to determine the role of this variant in disease. Therefore, it has been classified as a Variant of Uncertain Significance. This sequence change replaces cysteine, which is neutral and slightly polar, with arginine, which is basic and polar, at codon 400 of the BBS10 protein (p.Cys400Arg). This variant is not present in population databases (gnomAD no frequency). This variant has not been reported in the literature in individuals affected with BBS10-related conditions.

NM_024685.4(BBS10):c.1198T>C (p.Cys400Arg)

Gene: BBS10 (Bardet-Biedl syndrome 10; minus strand). Cytogenetic location: 12q21.2.
Variant type: single nucleotide variant.
Coding change: c.1198T>C on transcript NM_024685.4 (MANE Select); coding-DNA position 1198, T replaced by C.
Protein change: p.Cys400Arg; replaces cysteine 400 with arginine.
Molecular consequence: missense variant.
Genome position (GRCh38, 1-based): chr12:76,346,787, A>G on the plus strand (T>C on the coding strand, the complement: BBS10 is on the minus strand). VCF-style: chr12-76346787-A-G. GRCh37 (hg19) VCF-style: chr12-76740567-A-G.
Other names: short protein forms C400R.
Identifiers: ClinVar variation 1405551 (VCV001405551.8), dbSNP rs1951762407, ClinGen allele CA385812335.
Genomic context (GRCh38, chr12:76,346,787, plus strand): 5'-TTTTAAGTGCTCCATGTAAAGCATCCTCATGTTGTTCAATGAGACCATGCACTGGTCCAC[A>G]AAGAACTATAGAGTGTGGTATAAATGCACATGTGCTTATCAAGCCTAGATGAACATATCT-3'
Protein context (NP_078961.3, residues 390-410): CAFIPHSIVL[Cys400Arg]GPVHGLIEQH